The following is an entry in ClinVar:

NM_001330360.2(POLA1):c.2985G>C (p.Glu995Asp)

Gene: POLA1 (DNA polymerase alpha 1, catalytic subunit; plus strand). Cytogenetic location: Xp22.11.
Variant type: single nucleotide variant.
Coding change: c.2985G>C on transcript NM_001330360.2 (MANE Select); coding-DNA position 2985, G replaced by C.
Protein change: p.Glu995Asp; replaces glutamic acid 995 with aspartic acid.
Molecular consequence: missense variant. On other transcripts: non-coding transcript variant (2).
Genome position (GRCh38, 1-based): chrX:24,809,918, G>C. VCF-style: chrX-24809918-G-C. GRCh37 (hg19) VCF-style: chrX-24828035-G-C.
Other names: c.2910G>C, p.Glu970Asp (NM_001378303.1); c.2985G>C, p.Glu995Asp (NM_001440806.1); c.2967G>C, p.Glu989Asp (NM_016937.4); short protein forms E989D, E995D, E970D.
Identifiers: ClinVar variation 4767474 (VCV004767474.1).

ClinVar aggregate classification (germline): Uncertain significance (1 of 4 stars; one submission).

gnomAD v4.1: 6 of 1,094,129 alleles (0.00055%); highest among the groups gnomAD compares: Non-Finnish European, 0.00062%; no homozygotes.

Submission:

Labcorp Genetics (formerly Invitae), Labcorp
Classification: Uncertain significance. Last evaluated: 2025-11-24. Review status: criteria provided, single submitter. Criteria: Invitae Variant Classification Sherloc (09022015). Collection method: clinical testing. Allele origin: germline.
Comment: This sequence change replaces glutamic acid, which is acidic and polar, with aspartic acid, which is acidic and polar, at codon 989 of the POLA1 protein (p.Glu989Asp). This variant is not present in population databases (gnomAD no frequency). This variant has not been reported in the literature in individuals affected with POLA1-related conditions. Invitae Evidence Modeling of protein sequence and biophysical properties (such as structural, functional, and spatial information, amino acid conservation, physicochemical variation, residue mobility, and thermodynamic stability) indicates that this missense variant is not expected to disrupt POLA1 protein function with a negative predictive value of 80%. In summary, the available evidence is currently insufficient to determine the role of this variant in disease. Therefore, it has been classified as a Variant of Uncertain Significance.